The following is an entry in ClinVar:

NM_002863.5(PYGL):c.1683C>T (p.Ser561=)

Gene: PYGL (glycogen phosphorylase L; minus strand). Cytogenetic location: 14q22.1.
Variant type: single nucleotide variant.
Coding change: c.1683C>T on transcript NM_002863.5 (MANE Select); coding-DNA position 1683, C replaced by T.
Protein change: p.Ser561=; no amino-acid change (serine 561 retained).
Molecular consequence: synonymous variant.
Genome position (GRCh38, 1-based): chr14:50,912,241, G>A on the plus strand (C>T on the coding strand, the complement: PYGL is on the minus strand). VCF-style: chr14-50912241-G-A. GRCh37 (hg19) VCF-style: chr14-51378959-G-A.
Other names: c.1581C>T, p.Ser527= (NM_001163940.2).
Identifiers: ClinVar variation 313324 (VCV000313324.21), dbSNP rs145471351, ClinGen allele CA7183382.

ClinVar aggregate classification (germline): Benign/Likely benign. Review status: criteria provided, multiple submitters, no conflicts (2 of 4 stars). 6 submissions from 6 submitters: Benign (1); Likely benign (4). 1 of the submissions does not count toward it. Last evaluated 2026-08-01.

Conditions:
Glycogen storage disease, type VI (GSD6). Also called: Glycogen storage disease type 6, due to phosphorylation; GSD VI; Glycogen storage disease type 6; Hepatic glycogen phosphorylase deficiency; HERS DISEASE; PHOSPHORYLASE DEFICIENCY GLYCOGEN-STORAGE DISEASE OF LIVER. Identifiers: Orphanet 369, MedGen C0017925, MONDO:0009294, OMIM 232700.

Allele frequency attached by ClinVar (database versions not stated): gnomAD exomes 0.00025 and 0.00054; ExAC 0.00053; 1000 Genomes Project 30x 0.00219; 1000 Genomes Project 0.00220; ESP Exome Variant Server 0.00231; gnomAD 0.00237 and 0.00262; TOPMed 0.00259.
gnomAD v4.1: 750 of 1,614,012 alleles (0.046%); highest among the groups gnomAD compares: African/African-American, 0.86%; 2 homozygotes.

Submissions (6):

CeGaT Center for Human Genetics Tuebingen
Classification: Likely benign. Last evaluated: 2026-08-01. Review status: criteria provided, single submitter. Criteria: CeGaT Center For Human Genetics Tuebingen Variant Classification Criteria Version 2. Collection method: clinical testing. Allele origin: germline. Affected: yes. Observed: 1 variant allele.
Comment: PYGL: BP4, BP7

Labcorp Genetics (formerly Invitae), Labcorp
Classification: Benign for Glycogen storage disease, type VI. Last evaluated: 2025-12-27. Review status: criteria provided, single submitter. Criteria: Invitae Variant Classification Sherloc (09022015). Collection method: clinical testing. Allele origin: germline.

Blueprint Genetics
Classification: Likely benign. Last evaluated: 2024-08-06. Review status: criteria provided, single submitter. Criteria: ACMG Guidelines, 2015. Collection method: clinical testing. Allele origin: germline.

Illumina Laboratory Services, Illumina
Classification: Likely benign for Glycogen storage disease, type VI. Last evaluated: 2018-01-13. Review status: criteria provided, single submitter. Criteria: ICSL Variant Classification Criteria 13 December 2019. Collection method: clinical testing. Allele origin: germline.
Comment: This variant was observed in the ICSL laboratory as part of a predisposition screen in an ostensibly healthy population. It had not been previously curated by ICSL or reported in the Human Gene Mutation Database (HGMD: prior to June 1st, 2018), and was therefore a candidate for classification through an automated scoring system. Utilizing variant allele frequency, disease prevalence and penetrance estimates, and inheritance mode, an automated score was calculated to assess if this variant is too frequent to cause the disease. Based on the score and internal cut-off values, a variant classified as likely benign is not then subjected to further curation. The score for this variant resulted in a classification of likely benign for this disease.

Breakthrough Genomics
Classification: Likely benign. Review status: criteria provided, single submitter. Criteria: ACMG Guidelines, 2015. Collection method: not provided. Allele origin: germline. Inheritance: Autosomal recessive inheritance. Affected: yes.

Mayo Clinic Laboratories, Mayo Clinic
Classification: Likely benign. Last evaluated: 2017-10-16. Review status: no assertion criteria provided. Collection method: clinical testing. Allele origin: unknown. Not counted in ClinVar's aggregate classification.